The following is an entry in ClinVar:

ClinVar aggregate classification (germline): Uncertain significance. Review status: criteria provided, multiple submitters, no conflicts (2 of 4 stars). 3 submissions from 3 submitters: Uncertain significance (3). Last evaluated 2025-11-20.

Conditions:
Inborn genetic diseases. Identifiers: MedGen C0950123, MeSH D030342.
Fanconi anemia complementation group F. Also called: FANCF-Related Fanconi Anemia. Identifiers: Orphanet 84, MedGen C3469526, MONDO:0011325, OMIM 603467.
Fanconi anemia (FA). Also called: Fanconi's anemia. Identifiers: Orphanet 84, MedGen C0015625, MeSH D005199, MONDO:0019391.

Allele frequency attached by ClinVar (database versions not stated): gnomAD 0.00001; gnomAD exomes 0.00001 and 0.00002; ExAC 0.00003; TOPMed 0.00005.

Submissions (3):

Ambry Genetics
Classification: Uncertain significance for Inborn genetic diseases. Last evaluated: 2025-11-20. Review status: criteria provided, single submitter. Criteria: Ambry Variant Classification Scheme 2023. Collection method: clinical testing. Allele origin: germline.

Labcorp Genetics (formerly Invitae), Labcorp
Classification: Uncertain significance for Fanconi anemia. Last evaluated: 2025-03-23. Review status: criteria provided, single submitter. Criteria: Invitae Variant Classification Sherloc (09022015). Collection method: clinical testing. Allele origin: germline.
Comment: This sequence change replaces proline, which is neutral and non-polar, with arginine, which is basic and polar, at codon 28 of the FANCF protein (p.Pro28Arg). This variant is present in population databases (rs374063561, gnomAD 0.03%). This variant has not been reported in the literature in individuals affected with FANCF-related conditions. ClinVar contains an entry for this variant (Variation ID: 1001623). Invitae Evidence Modeling of protein sequence and biophysical properties (such as structural, functional, and spatial information, amino acid conservation, physicochemical variation, residue mobility, and thermodynamic stability) indicates that this missense variant is not expected to disrupt FANCF protein function with a negative predictive value of 80%. In summary, the available evidence is currently insufficient to determine the role of this variant in disease. Therefore, it has been classified as a Variant of Uncertain Significance.

Fulgent Genetics
Classification: Uncertain significance for Fanconi anemia complementation group F. Last evaluated: 2022-04-21. Review status: criteria provided, single submitter. Criteria: ACMG Guidelines, 2015. Collection method: clinical testing. Allele origin: unknown.

NM_022725.4(FANCF):c.83C>G (p.Pro28Arg)

Gene: FANCF (FA complementation group F; minus strand). Cytogenetic location: 11p14.3.
Variant type: single nucleotide variant.
Coding change: c.83C>G on transcript NM_022725.4 (MANE Select); coding-DNA position 83, C replaced by G.
Protein change: p.Pro28Arg; replaces proline 28 with arginine.
Molecular consequence: missense variant.
Genome position (GRCh38, 1-based): chr11:22,625,728, G>C on the plus strand (C>G on the coding strand, the complement: FANCF is on the minus strand). VCF-style: chr11-22625728-G-C. GRCh37 (hg19) VCF-style: chr11-22647274-G-C.
Other names: c.83C>G (NM_022725.3); short protein forms P28R.
Identifiers: ClinVar variation 1001623 (VCV001001623.9), dbSNP rs374063561, ClinGen allele CA5924442.